The following is an entry in ClinVar:

NM_182914.3(SYNE2):c.5204C>T (p.Thr1735Ile)

Gene: SYNE2 (spectrin repeat containing nuclear envelope protein 2; plus strand). Cytogenetic location: 14q23.2.
Variant type: single nucleotide variant.
Coding change: c.5204C>T on transcript NM_182914.3 (MANE Select); coding-DNA position 5204, C replaced by T.
Protein change: p.Thr1735Ile; replaces threonine 1735 with isoleucine.
Molecular consequence: missense variant.
Genome position (GRCh38, 1-based): chr14:64,021,367, C>T. VCF-style: chr14-64021367-C-T. GRCh37 (hg19) VCF-style: chr14-64488085-C-T.
Other names: c.5204C>T, p.Thr1735Ile (NM_015180.6); short protein forms T1735I.
Identifiers: ClinVar variation 4754426 (VCV004754426.1).

ClinVar aggregate classification (germline): Uncertain significance (1 of 4 stars; one submission).

Conditions:
Emery-Dreifuss muscular dystrophy 5, autosomal dominant (EDMD5). Also called: EMERY-DREIFUSS MUSCULAR DYSTROPHY 5. Identifiers: Orphanet 261, MedGen C2751805, MONDO:0013072, OMIM 612999.

gnomAD v4.1: 1 of 1,614,110 alleles (0.000062%); highest among the groups gnomAD compares: Non-Finnish European, 0.000085%; no homozygotes.

Submission:

Labcorp Genetics (formerly Invitae), Labcorp
Classification: Uncertain significance for Emery-Dreifuss muscular dystrophy 5, autosomal dominant. Last evaluated: 2025-06-22. Review status: criteria provided, single submitter. Criteria: Invitae Variant Classification Sherloc (09022015). Collection method: clinical testing. Allele origin: germline.
Comment: This sequence change replaces threonine, which is neutral and polar, with isoleucine, which is neutral and non-polar, at codon 1735 of the SYNE2 protein (p.Thr1735Ile). This variant is not present in population databases (gnomAD no frequency). This variant has not been reported in the literature in individuals affected with SYNE2-related conditions. An algorithm developed to predict the effect of missense changes on protein structure and function outputs the following: PolyPhen-2: "Benign". The isoleucine amino acid residue is found in multiple mammalian species, which suggests that this missense change does not adversely affect protein function. In summary, the available evidence is currently insufficient to determine the role of this variant in disease. Therefore, it has been classified as a Variant of Uncertain Significance.